The following is an entry in ClinVar:

NM_005228.5(EGFR):c.178G>A (p.Val60Met)

Gene: EGFR (epidermal growth factor receptor; plus strand). Cytogenetic location: 7p11.2.
Variant type: single nucleotide variant.
Coding change: c.178G>A on transcript NM_005228.5 (MANE Select); coding-DNA position 178, G replaced by A.
Protein change: p.Val60Met; replaces valine 60 with methionine.
Molecular consequence: missense variant. On other transcripts: intron variant (1).
Genome position (GRCh38, 1-based): chr7:55,142,375, G>A. VCF-style: chr7-55142375-G-A. GRCh37 (hg19) VCF-style: chr7-55210068-G-A.
Other names: c.178G>A, p.Val60Met (NM_001346897.2, NM_001346898.2, NM_001346899.2 and 3 more transcripts); c.19G>A, p.Val7Met (NM_001346900.2); c.89-13455G>A (NM_001346941.2); short protein forms V60M, V7M.
Identifiers: ClinVar variation 1720166 (VCV001720166.5), dbSNP rs1794508976, ClinGen allele CA367574713.

ClinVar aggregate classification (germline): Uncertain significance (1 of 4 stars; one submission).

Conditions:
EGFR-related lung cancer (EGFR). Identifiers: MedGen CN130014.

Allele frequency attached by ClinVar (database versions not stated): TOPMed below 0.00001.

Submission:

Labcorp Genetics (formerly Invitae), Labcorp
Classification: Uncertain significance for EGFR-related lung cancer. Last evaluated: 2022-09-23. Review status: criteria provided, single submitter. Criteria: Invitae Variant Classification Sherloc (09022015). Collection method: clinical testing. Allele origin: germline.
Comment: This variant has not been reported in the literature in individuals affected with EGFR-related conditions. Advanced modeling of protein sequence and biophysical properties (such as structural, functional, and spatial information, amino acid conservation, physicochemical variation, residue mobility, and thermodynamic stability) performed at Invitae indicates that this missense variant is not expected to disrupt EGFR protein function. In summary, the available evidence is currently insufficient to determine the role of this variant in disease. Therefore, it has been classified as a Variant of Uncertain Significance. This variant is not present in population databases (gnomAD no frequency). This sequence change replaces valine, which is neutral and non-polar, with methionine, which is neutral and non-polar, at codon 60 of the EGFR protein (p.Val60Met).